The following is an entry in ClinVar:

NM_001010867.4(IBA57):c.292del (p.His98fs)

Gene: IBA57 (iron-sulfur cluster assembly factor IBA57; plus strand). Cytogenetic location: 1q42.13.
Variant type: Deletion.
Coding change: c.292del on transcript NM_001010867.4 (MANE Select); coding-DNA position 292, one base deleted (C; older notation c.292delC).
Protein change: p.His98fs; shifts the reading frame from histidine 98.
Molecular consequence: frameshift variant.
Genome position (GRCh38, 1-based): chr1:228,166,108, C deleted; the last of 3 consecutive C bases (chr1:228,166,106-228,166,108); deleting any one gives the same sequence. VCF-style (leftmost placement, unchanged base first): chr1-228166105-GC-G. GRCh37 (hg19) VCF-style: chr1-228353806-GC-G.
Other names: short protein forms H98fs.
Identifiers: ClinVar variation 1806117 (VCV001806117.1), dbSNP rs2527901443, ClinGen allele CA1139532845.

ClinVar aggregate classification (germline): Pathogenic (1 of 4 stars; one submission).

Conditions:
Multiple mitochondrial dysfunctions syndrome 3 (MMDS3). Identifiers: Orphanet 363424, MedGen C3809165, MONDO:0014132, OMIM 615330.

Submission:

Victorian Clinical Genetics Services, Murdoch Childrens Research Institute
Classification: Pathogenic for Multiple mitochondrial dysfunctions syndrome 3. Last evaluated: 2020-10-19. Review status: criteria provided, single submitter. Criteria: ACMG Guidelines, 2015. Collection method: clinical testing. Allele origin: germline. Inheritance: Autosomal recessive inheritance. Affected: yes.
Comment: Based on the classification scheme VCGS_Germline_v1.3.3, this variant is classified as Pathogenic. Following criteria are met: 0102 - Loss of function is a known mechanism of disease in this gene and is associated with multiple mitochondrial dysfunctions syndrome 3 (MIM#615330). (I) 0106 - This gene is associated with autosomal recessive disease. (I) 0201 - Variant is predicted to cause nonsense-mediated decay (NMD) and loss of protein (premature termination codon is located at least 54 nucleotides upstream of the final exon-exon junction). (SP) 0251 - This variant is heterozygous. (I) 0301 - Variant is absent from gnomAD (both v2 and v3). (SP) 0702 - Multiple NMD predicted variants comparable to the one identified in this case have strong previous evidence for pathogenicity (ClinVar, PMID: 27785568, 28671726). (SP) 0807 - This variant has no previous evidence of pathogenicity. (I) 0905 - No published segregation evidence has been identified for this variant. (I) 1007 - No published functional evidence has been identified for this variant. (I) 1208 - Inheritance information for this variant is not currently available in this individual. (I) Legend: (SP) - Supporting pathogenic, (I) - Information, (SB) - Supporting benign

Literature cited by the submitters: PubMed 27785568; PubMed 28671726.